The following continues an entry in ClinVar:

NM_003000.3(SDHB):c.724C>A (p.Arg242Ser)

Gene: SDHB. ClinVar aggregate classification (germline): Pathogenic/Likely pathogenic. Pathogenic (6); Likely pathogenic (2).

Submissions 7 to 9 of 9:

GeneDx
Classification: Pathogenic. Last evaluated: 2024-02-15. Review status: criteria provided, single submitter. Criteria: GeneDx Variant Classification Process June 2021. Collection method: clinical testing. Allele origin: germline. Affected: yes.
Comment: Published functional studies demonstrate a damaging effect: defective SDH enzyme activity and increased mtDNA mutability and sensitivity to oxidative stress (PMID: 23175444); Not observed at significant frequency in large population cohorts (gnomAD); In silico analysis supports that this missense variant has a deleterious effect on protein structure/function; This variant is associated with the following publications: (PMID: 25972245, 19351833, 22904323, 30787465, 31492822, 34377882, 34906457, 23175444)

Women's Health and Genetics/Laboratory Corporation of America, LabCorp
Classification: Pathogenic for Hereditary pheochromocytoma and paraganglioma. Last evaluated: 2023-07-17. Review status: criteria provided, single submitter. Criteria: LabCorp Variant Classification Summary - May 2015. Collection method: clinical testing. Allele origin: germline.
Comment: Variant summary: SDHB c.724C>A (p.Arg242Ser) results in a non-conservative amino acid change in the encoded protein sequence. Five of five in-silico tools predict a damaging effect of the variant on protein function. The variant was absent in 251440 control chromosomes. c.724C>A has been reported in the literature in individuals affected with Hereditary Paraganglioma-Pheochromocytoma Syndrome (e.g. Neumann_2009, Siddiqui_2021, Garrett_2022). These data indicate that the variant is likely to be associated with disease. At least one publication reports experimental evidence evaluating an impact on protein function. The most pronounced variant effect results in undetectable SDH enzyme activity in vitro (e.g. Panizza_2013). The following publications have been ascertained in the context of this evaluation (PMID: 34906457, 19351833, 23175444, 34377882). Three submitters have cited clinical-significance assessments for this variant to ClinVar after 2014. All submitters classified the variant as pathogenic. Based on the evidence outlined above, the variant was classified as pathogenic.

PreventionGenetics, part of Exact Sciences
Classification: Pathogenic for SDHB-related condition. Last evaluated: 2024-04-05. Review status: no assertion criteria provided. Collection method: clinical testing. Allele origin: germline. Not counted in ClinVar's aggregate classification.
Comment: The SDHB c.724C>A variant is predicted to result in the amino acid substitution p.Arg242Ser. This variant has been repeatedly reported in individuals with paraganglioma (see for example, Neumann et al. 2009. PubMed ID: 19351833, Suppl. Table 1; Panizza et al. 2012. PubMed ID: 23175444; Siddiqui et al. 2021. PubMed ID: 34377882; Garrett et al. 2021. PubMed ID: 34906457, Supplementary Table 2). In the Panizza et al. study, the yeast model study showed that this missense change has a severe phenotypic effect. This variant has not been reported in a large population database, indicating this variant is rare. In ClinVar, this variant has been widely interpreted as pathogenic. This variant is interpreted as pathogenic.

Literature cited by the submitters: PubMed 34377882 (cited by 4 submitters); PubMed 31492822 (cited by Myriad Genetics, Inc.); PubMed 35870552 (cited by 3 submitters); PubMed 41252211 (cited by Myriad Genetics, Inc.); PubMed 19351833 (cited by 5 submitters); PubMed 23175444 (cited by 5 submitters); PubMed 21173220 (cited by Labcorp Genetics (formerly Invitae), Labcorp); PubMed 22517554 (cited by Labcorp Genetics (formerly Invitae), Labcorp); PubMed 26719882 (cited by Color Diagnostics, LLC DBA Color Health and All of Us Research Program, National Institutes of Health); PubMed 34906457 (cited by 3 submitters); PubMed 25972245 (cited by Ambry Genetics).